The following is an entry in ClinVar:

NM_152564.5(VPS13B):c.5076+1G>T

Gene: VPS13B (vacuolar protein sorting 13 homolog B; plus strand). Cytogenetic location: 8q22.2.
Variant type: single nucleotide variant.
Coding change: c.5076+1G>T on transcript NM_152564.5 (MANE Select); the canonical splice donor site of the intron after coding-DNA position 5076, G replaced by T.
Molecular consequence: splice donor variant.
Genome position (GRCh38, 1-based): chr8:99,575,785, G>T. VCF-style: chr8-99575785-G-T. GRCh37 (hg19) VCF-style: chr8-100588013-G-T.
Other names: c.5151+1G>T (NM_017890.5).
Identifiers: ClinVar variation 2863633 (VCV002863633.3), dbSNP rs1825747036, ClinGen allele CA371874175.

ClinVar aggregate classification (germline): Likely pathogenic (1 of 4 stars; one submission).

Conditions:
Cohen syndrome (COH1). Also called: Cutis verticis gyrata, retinitis pigmentosa, and sensorineural deafness; PEPPER SYNDROME. Identifiers: Orphanet 193, MedGen C0265223, MONDO:0008999, OMIM 216550.

Submission:

Labcorp Genetics (formerly Invitae), Labcorp
Classification: Likely pathogenic for Cohen syndrome. Last evaluated: 2023-05-12. Review status: criteria provided, single submitter. Criteria: Invitae Variant Classification Sherloc (09022015). Collection method: clinical testing. Allele origin: germline.
Comment: This variant has not been reported in the literature in individuals affected with VPS13B-related conditions. This variant is not present in population databases (gnomAD no frequency). This sequence change affects a donor splice site in intron 32 of the VPS13B gene. It is expected to disrupt RNA splicing. Variants that disrupt the donor or acceptor splice site typically lead to a loss of protein function (PMID: 16199547), and loss-of-function variants in VPS13B are known to be pathogenic (PMID: 15141358, 16648375, 20461111). Algorithms developed to predict the effect of sequence changes on RNA splicing suggest that this variant may disrupt the consensus splice site. In summary, the currently available evidence indicates that the variant is pathogenic, but additional data are needed to prove that conclusively. Therefore, this variant has been classified as Likely Pathogenic.

Literature cited by the submitters: PubMed 16199547; PubMed 15141358; PubMed 16648375; PubMed 20461111.